The following is an entry in ClinVar:

NM_007118.4(TRIO):c.8569G>C (p.Asp2857His)

Gene: TRIO (trio Rho guanine nucleotide exchange factor; plus strand). Cytogenetic location: 5p15.2.
Variant type: single nucleotide variant.
Coding change: c.8569G>C on transcript NM_007118.4 (MANE Select); coding-DNA position 8569, G replaced by C.
Protein change: p.Asp2857His; replaces aspartic acid 2857 with histidine.
Molecular consequence: missense variant. On other transcripts: non-coding transcript variant (1).
Genome position (GRCh38, 1-based): chr5:14,504,550, G>C. VCF-style: chr5-14504550-G-C. GRCh37 (hg19) VCF-style: chr5-14504659-G-C.
Other names: short protein forms D2857H.
Identifiers: ClinVar variation 2501842 (VCV002501842.1), dbSNP rs757595983, ClinGen allele CA359240217.

ClinVar aggregate classification (germline): Uncertain significance (1 of 4 stars; one submission).

Submission:

GeneDx
Classification: Uncertain significance. Last evaluated: 2022-11-11. Review status: criteria provided, single submitter. Criteria: GeneDx Variant Classification Process June 2021. Collection method: clinical testing. Allele origin: germline. Affected: yes.
Comment: Not observed at significant frequency in large population cohorts (gnomAD); In silico analysis supports that this missense variant has a deleterious effect on protein structure/function; Has not been previously published as pathogenic or benign to our knowledge